The following is an entry in ClinVar:

NM_004168.4(SDHA):c.1848del (p.Lys616fs)

Gene: SDHA (succinate dehydrogenase complex flavoprotein subunit A; plus strand). Cytogenetic location: 5p15.33.
Variant type: Deletion.
Coding change: c.1848del on transcript NM_004168.4 (MANE Select); coding-DNA position 1848, one base deleted (G; older notation c.1848delG).
Protein change: p.Lys616fs; shifts the reading frame from lysine 616.
Molecular consequence: frameshift variant.
Genome position (GRCh38, 1-based): chr5:254,446, G deleted. VCF-style (leftmost placement, unchanged base first): chr5-254445-AG-A. GRCh37 (hg19) VCF-style: chr5-254560-AG-A.
Other names: c.1704del, p.Lys568fs (NM_001294332.2); c.1605del, p.Lys535fs (NM_001330758.2); short protein forms K535fs, K568fs, K616fs.
Identifiers: ClinVar variation 1781275 (VCV001781275.2), dbSNP rs2477476665, ClinGen allele CA2580073133.

ClinVar aggregate classification (germline): Likely pathogenic (1 of 4 stars; one submission).

Conditions:
Hereditary cancer-predisposing syndrome. Also called: Neoplastic Syndromes, Hereditary; Tumor predisposition; Hereditary Cancer Syndrome; Hereditary neoplastic syndrome. Identifiers: Orphanet 140162, MedGen C0027672, MeSH D009386, MONDO:0015356.

Submission:

Ambry Genetics
Classification: Likely pathogenic for Hereditary cancer-predisposing syndrome. Last evaluated: 2022-04-20. Review status: criteria provided, single submitter. Criteria: Ambry Variant Classification Scheme 2023. Collection method: clinical testing. Allele origin: germline.
Comment: The c.1848delG variant, located in coding exon 14 of the SDHA gene, results from a deletion of one nucleotide at nucleotide position 1848, causing a translational frameshift with a predicted alternate stop codon (p.K616Nfs*29). This alteration occurs at the 3' terminus of theSDHA gene, is not expected to trigger nonsense-mediated mRNA decay, and only impacts the last 49 amino acids of the protein. However, premature stop codons are typically deleterious in nature and the impacted region is critical for protein function (Ambry internal data). This variant is considered to be rare based on population cohorts in the Genome Aggregation Database (gnomAD). Based on the majority of available evidence to date, this variant is likely to be pathogenic.